The following is an entry in ClinVar:

ClinVar aggregate classification (germline): Likely benign. Review status: criteria provided, single submitter (1 of 4 stars). 2 submissions from 2 submitters: Likely benign (1). 1 of the submissions does not count toward it. Last evaluated 2024-11-19.

Conditions:
FAT4-related disorder. Also called: FAT4-related condition.

Allele frequency attached by ClinVar (database versions not stated): gnomAD exomes 0.00001; ExAC 0.00003; gnomAD 0.00005; TOPMed 0.00006; 1000 Genomes Project 30x 0.00016; 1000 Genomes Project 0.00020.
gnomAD v4.1: 19 of 1,613,668 alleles (0.0012%); highest among the groups gnomAD compares: African/African-American, 0.017%; no homozygotes.

Submissions (2):

Labcorp Genetics (formerly Invitae), Labcorp
Classification: Likely benign. Last evaluated: 2024-11-19. Review status: criteria provided, single submitter. Criteria: Invitae Variant Classification Sherloc (09022015). Collection method: clinical testing. Allele origin: germline.

PreventionGenetics, part of Exact Sciences
Classification: Likely benign for FAT4-related condition. Last evaluated: 2019-12-24. Review status: no assertion criteria provided. Collection method: clinical testing. Allele origin: germline. Not counted in ClinVar's aggregate classification.
Comment: This variant is classified as likely benign based on ACMG/AMP sequence variant interpretation guidelines (Richards et al. 2015 PMID: 25741868, with internal and published modifications).

NM_001291303.3(FAT4):c.5404T>C (p.Leu1802=)

Gene: FAT4 (FAT atypical cadherin 4; plus strand). Cytogenetic location: 4q28.1.
Variant type: single nucleotide variant.
Coding change: c.5404T>C on transcript NM_001291303.3 (MANE Select); coding-DNA position 5404, T replaced by C.
Protein change: p.Leu1802=; no amino-acid change (leucine 1802 retained).
Molecular consequence: synonymous variant.
Genome position (GRCh38, 1-based): chr4:125,406,976, T>C. VCF-style: chr4-125406976-T-C. GRCh37 (hg19) VCF-style: chr4-126328131-T-C.
Other names: c.5404T>C, p.Leu1802= (NM_001291285.3, NM_024582.6); c.5404T>C (NM_024582.4).
Identifiers: ClinVar variation 1666585 (VCV001666585.10), dbSNP rs191940938, ClinGen allele CA3072708.